The following is an entry in ClinVar:

ClinVar aggregate classification (germline): Uncertain significance (1 of 4 stars; one submission).

Submission:

Ambry Genetics
Classification: Uncertain significance. Last evaluated: 2025-06-25. Review status: criteria provided, single submitter. Criteria: Ambry Variant Classification Scheme 2023. Collection method: clinical testing. Allele origin: germline.
Comment: The p.H721R variant (also known as c.2162A>G), located in coding exon 1 of the TET2 gene, results from an A to G substitution at nucleotide position 2162. The histidine at codon 721 is replaced by arginine, an amino acid with highly similar properties. This amino acid position is conserved. In addition, this alteration is predicted to be tolerated by in silico analysis. Based on the available evidence, the clinical significance of this variant remains unclear.

NM_001127208.3(TET2):c.2162A>G (p.His721Arg)

Genes: TET2 (tet methylcytosine dioxygenase 2; plus strand), TET2-AS1 (TET2 antisense RNA 1; minus strand). Cytogenetic location: 4q24.
Variant type: single nucleotide variant.
Coding change: c.2162A>G on transcript NM_001127208.3 (MANE Select); coding-DNA position 2162, A replaced by G.
Protein change: p.His721Arg; replaces histidine 721 with arginine.
Molecular consequence: missense variant.
Genome position (GRCh38, 1-based): chr4:105,236,104, A>G. VCF-style: chr4-105236104-A-G. GRCh37 (hg19) VCF-style: chr4-106157261-A-G.
Other names: c.2162A>G, p.His721Arg (NM_017628.4); short protein forms H721R.
Identifiers: ClinVar variation 4182934 (VCV004182934.1).